The following is an entry in ClinVar:

NM_000388.4(CASR):c.2226G>A (p.Trp742Ter)

Gene: CASR (calcium sensing receptor; plus strand). Cytogenetic location: 3q21.1.
Variant type: single nucleotide variant.
Coding change: c.2226G>A on transcript NM_000388.4 (MANE Select); coding-DNA position 2226, G replaced by A.
Protein change: p.Trp742Ter; replaces tryptophan 742 with a stop codon.
Molecular consequence: nonsense.
Genome position (GRCh38, 1-based): chr3:122,284,180, G>A. VCF-style: chr3-122284180-G-A. GRCh37 (hg19) VCF-style: chr3-122003027-G-A.
Other names: c.2256G>A, p.Trp752Ter (NM_001178065.2); short protein forms W742*, W752*.
Identifiers: ClinVar variation 4787185 (VCV004787185.1).
Genomic context (GRCh38, chr3:122,284,180, plus strand): 5'-CCTGCAGTTCCTGCTGGTTTTCCTCTGCACCTTCATGCAGATTGTCATCTGTGTGATCTG[G>A]CTCTACACCGCGCCCCCGTCAAGCTACCGCAACCAGGAGCTGGAGGATGAGATCATCTTC-3'

ClinVar aggregate classification (germline): Pathogenic (1 of 4 stars; one submission).

Conditions:
Familial hypocalciuric hypercalcemia (FHH). Also called: Familial benign hypercalcemia. Identifiers: Orphanet 405, MedGen C1809471, MONDO:0018458.
Autosomal dominant hypocalcemia 1 (HYPOC1). Also called: HYPOCALCEMIA, FAMILIAL. Identifiers: MedGen C3715128, MONDO:0011013, OMIM 601198.

Submission:

Labcorp Genetics (formerly Invitae), Labcorp
Classification: Pathogenic for Familial hypocalciuric hypercalcemia; Autosomal dominant hypocalcemia 1. Last evaluated: 2026-01-05. Review status: criteria provided, single submitter. Criteria: Invitae Variant Classification Sherloc (09022015). Collection method: clinical testing. Allele origin: germline.
Comment: This sequence change creates a premature translational stop signal (p.Trp742*) in the CASR gene. While this is not anticipated to result in nonsense mediated decay, it is expected to disrupt the last 337 amino acid(s) of the CASR protein. This variant is not present in population databases (gnomAD no frequency). This variant has not been reported in the literature in individuals affected with CASR-related conditions. This variant disrupts a region of the CASR protein in which other variant(s) (p.Arg886Trp) have been determined to be pathogenic (PMID: 17698911). This suggests that this is a clinically significant region of the protein, and that variants that disrupt it are likely to be disease-causing. For these reasons, this variant has been classified as Pathogenic.

Literature cited by the submitters: PubMed 17698911.